The following is an entry in ClinVar:

NM_001329943.3(KIAA0586):c.4227G>T (p.Glu1409Asp)

Gene: KIAA0586 (KIAA0586; plus strand). Cytogenetic location: 14q23.1.
Variant type: single nucleotide variant.
Coding change: c.4227G>T on transcript NM_001329943.3 (MANE Select); coding-DNA position 4227, G replaced by T.
Protein change: p.Glu1409Asp; replaces glutamic acid 1409 with aspartic acid.
Molecular consequence: missense variant.
Genome position (GRCh38, 1-based): chr14:58,508,613, G>T. VCF-style: chr14-58508613-G-T. GRCh37 (hg19) VCF-style: chr14-58975331-G-T.
Other names: c.3972G>T, p.Glu1324Asp (NM_001244191.2, NM_001329945.2, NM_001364700.1 and 1 more transcripts); c.4095G>T, p.Glu1365Asp (NM_001244192.2, NM_001329947.2); c.3807G>T, p.Glu1269Asp (NM_001244193.2); c.4227G>T, p.Glu1409Asp (NM_001329944.2, NM_001329946.2); c.3999G>T, p.Glu1333Asp (NM_014749.5); c.4386G>T, p.Glu1462Asp (NM_001244189.2); c.4182G>T, p.Glu1394Asp (NM_001244190.2); short protein forms E1394D, E1462D, E1269D, E1324D, E1333D, E1365D, E1409D.
Identifiers: ClinVar variation 1425656 (VCV001425656.8), dbSNP rs746899731, ClinGen allele CA390057793.

ClinVar aggregate classification (germline): Uncertain significance (1 of 4 stars; one submission).

Conditions:
Joubert syndrome 23 (JBTS23). Identifiers: Orphanet 475, MedGen C4084822, MONDO:0014664, OMIM 616490.
Short-rib thoracic dysplasia 14 with polydactyly (SRTD14). Identifiers: Orphanet 397715, MedGen C4225286, MONDO:0014688, OMIM 616546.

Allele frequency attached by ClinVar (database versions not stated): TOPMed below 0.00001.

Submission:

Labcorp Genetics (formerly Invitae), Labcorp
Classification: Uncertain significance for Joubert syndrome 23; Short-rib thoracic dysplasia 14 with polydactyly. Last evaluated: 2021-04-14. Review status: criteria provided, single submitter. Criteria: Invitae Variant Classification Sherloc (09022015). Collection method: clinical testing. Allele origin: germline.
Comment: In summary, the available evidence is currently insufficient to determine the role of this variant in disease. Therefore, it has been classified as a Variant of Uncertain Significance. Algorithms developed to predict the effect of missense changes on protein structure and function output the following: SIFT: "Tolerated"; PolyPhen-2: "Possibly Damaging"; Align-GVGD: "Class C0". The aspartic acid amino acid residue is found in multiple mammalian species, suggesting that this missense change does not adversely affect protein function. These predictions have not been confirmed by published functional studies and their clinical significance is uncertain. This variant has not been reported in the literature in individuals with KIAA0586-related conditions. This variant is not present in population databases (ExAC no frequency). This sequence change replaces glutamic acid with aspartic acid at codon 1462 of the KIAA0586 protein (p.Glu1462Asp). The glutamic acid residue is moderately conserved and there is a small physicochemical difference between glutamic acid and aspartic acid.